The following is an entry in ClinVar:

NM_004304.5(ALK):c.1546G>A (p.Asp516Asn)

Gene: ALK (ALK receptor tyrosine kinase; minus strand). Cytogenetic location: 2p23.2.
Variant type: single nucleotide variant.
Coding change: c.1546G>A on transcript NM_004304.5 (MANE Select); coding-DNA position 1546, G replaced by A.
Protein change: p.Asp516Asn; replaces aspartic acid 516 with asparagine.
Molecular consequence: missense variant.
Genome position (GRCh38, 1-based): chr2:29,320,751, C>T on the plus strand (G>A on the coding strand, the complement: ALK is on the minus strand). VCF-style: chr2-29320751-C-T. GRCh37 (hg19) VCF-style: chr2-29543617-C-T.
Other names: short protein forms D516N.
Identifiers: ClinVar variation 2203044 (VCV002203044.4), dbSNP rs2148250830, ClinGen allele CA346472168.

ClinVar aggregate classification (germline): Uncertain significance (1 of 4 stars; one submission).

Conditions:
Neuroblastoma, susceptibility to, 3. Also called: ALK-Related Neuroblastic Tumor Susceptibility. Identifiers: Orphanet 635, MedGen C2751681, MONDO:0013083, OMIM 613014.

Submission:

Labcorp Genetics (formerly Invitae), Labcorp
Classification: Uncertain significance for Neuroblastoma, susceptibility to, 3. Last evaluated: 2022-09-01. Review status: criteria provided, single submitter. Criteria: Invitae Variant Classification Sherloc (09022015). Collection method: clinical testing. Allele origin: germline.
Comment: Algorithms developed to predict the effect of missense changes on protein structure and function (SIFT, PolyPhen-2, Align-GVGD) all suggest that this variant is likely to be tolerated. Variants that disrupt the consensus splice site are a relatively common cause of aberrant splicing (PMID: 17576681, 9536098). Algorithms developed to predict the effect of sequence changes on RNA splicing suggest that this variant may disrupt the consensus splice site. In summary, the available evidence is currently insufficient to determine the role of this variant in disease. Therefore, it has been classified as a Variant of Uncertain Significance. This sequence change replaces aspartic acid, which is acidic and polar, with asparagine, which is neutral and polar, at codon 516 of the ALK protein (p.Asp516Asn). This variant also falls at the last nucleotide of exon 7, which is part of the consensus splice site for this exon. This variant is not present in population databases (gnomAD no frequency). This variant has not been reported in the literature in individuals affected with ALK-related conditions.

Literature cited by the submitters: PubMed 17576681; PubMed 9536098.